The following is an entry in ClinVar:

NM_000059.4(BRCA2):c.4913A>G (p.Lys1638Arg)

Gene: BRCA2 (BRCA2 DNA repair associated; plus strand). Cytogenetic location: 13q13.1.
Variant type: single nucleotide variant.
Coding change: c.4913A>G on transcript NM_000059.4 (MANE Select); coding-DNA position 4913, A replaced by G.
Protein change: p.Lys1638Arg; replaces lysine 1638 with arginine.
Molecular consequence: missense variant.
Genome position (GRCh38, 1-based): chr13:32,339,268, A>G. VCF-style: chr13-32339268-A-G. GRCh37 (hg19) VCF-style: chr13-32913405-A-G.
Other names: short protein forms K1638R.
Identifiers: ClinVar variation 927788 (VCV000927788.4), dbSNP rs771425987, ClinGen allele CA387783596.
Genomic context (GRCh38, chr13:32,339,268, plus strand): 5'-ATAATTTATGTAGACAAACTGAAAATCTCAAAACATCAAAAAGTATCTTTTTGAAAGTTA[A>G]AGTACATGAAAATGTAGAAAAAGAAACAGCAAAAAGTCCTGCAACTTGTTACACAAATCA-3'
Protein context (NP_000050.3, residues 1628-1648): KTSKSIFLKV[Lys1638Arg]VHENVEKETA

ClinVar aggregate classification (germline): Conflicting classifications of pathogenicity. Review status: criteria provided, conflicting classifications (1 of 4 stars). 2 submissions from 2 submitters: Uncertain significance (1); Likely benign (1). Last evaluated 2023-03-23.

Conditions:
Hereditary cancer-predisposing syndrome. Also called: Neoplastic Syndromes, Hereditary; Hereditary Cancer Syndrome; Tumor predisposition; Hereditary neoplastic syndrome. Identifiers: Orphanet 140162, MedGen C0027672, MeSH D009386, MONDO:0015356.

Submissions (2):

University of Washington Department of Laboratory Medicine, University of Washington
Classification: Likely benign for Hereditary cancer-predisposing syndrome. Last evaluated: 2023-03-23. Review status: criteria provided, single submitter. Criteria: Dines et al. (Genet Med. 2020). Collection method: curation. Allele origin: germline.
Comment: Missense variant in a coldspot region where missense variants are very unlikely to be pathogenic (PMID:31911673).

BRCA2 exon 11 coldspot. Reclassification based on statistical prior probability.

Color Diagnostics, LLC DBA Color Health
Classification: Uncertain significance for Hereditary cancer-predisposing syndrome. Last evaluated: 2019-05-29. Review status: criteria provided, single submitter. Criteria: ACMG Guidelines, 2015. Collection method: clinical testing. Allele origin: germline.